The following is an entry in ClinVar:

ClinVar aggregate classification (germline): Conflicting classifications of pathogenicity. Review status: criteria provided, conflicting classifications (1 of 4 stars). 11 submissions from 11 submitters: Uncertain significance (3); Benign (2); Likely benign (5). 1 of the submissions does not count toward it. Last evaluated 2026-08-12.

Conditions:
Hereditary cancer-predisposing syndrome. Also called: Tumor predisposition; Neoplastic Syndromes, Hereditary; Hereditary Cancer Syndrome; Hereditary neoplastic syndrome. Identifiers: Orphanet 140162, MedGen C0027672, MeSH D009386, MONDO:0015356.
Hereditary breast ovarian cancer syndrome. Also called: Hereditary breast and ovarian cancer; Hereditary breast and ovarian cancer syndrome (HBOC); Breast and ovarian cancer; Hereditary breast and/or ovarian cancer syndrome; BRCA1- and BRCA2-Associated Hereditary Breast and Ovarian Cancer; Hereditary breast and ovarian cancer syndrome. Identifiers: Orphanet 145, MedGen C0677776, MeSH D061325, MONDO:0003582. Disease mechanism: loss of function.
Familial cancer of breast. Also called: hereditary breast carcinoma; BREAST CANCER, FAMILIAL; Hereditary breast cancer. Identifiers: Orphanet 227535, MedGen C0346153, MONDO:0016419, OMIM 114480. Disease mechanism: loss of function.

Allele frequency attached by ClinVar (database versions not stated): gnomAD 0.00001; gnomAD exomes 0.00002 and 0.00003; TOPMed 0.00002; ExAC 0.00004.
gnomAD v4.1: 30 of 1,611,950 alleles (0.0019%); highest among the groups gnomAD compares: Non-Finnish European, 0.0022%; no homozygotes.

Submissions (11):

German Consortium for Hereditary Breast and Ovarian Cancer, University Hospital Cologne
Classification: Uncertain significance for Hereditary breast ovarian cancer syndrome. Last evaluated: 2026-08-12. Review status: criteria provided, single submitter. Criteria: ACMG SVI. Collection method: curation. Allele origin: germline.
Comment: This classification follows the ACMG SVI adaptation classification scheme

Labcorp Genetics (formerly Invitae), Labcorp
Classification: Likely benign for Familial cancer of breast. Last evaluated: 2026-01-19. Review status: criteria provided, single submitter. Criteria: Invitae Variant Classification Sherloc (09022015). Collection method: clinical testing. Allele origin: germline.

Myriad Genetics, Inc.
Classification: Benign for Familial cancer of breast. Last evaluated: 2023-03-08. Review status: criteria provided, single submitter. Criteria: Myriad Autosomal Dominant, Autosomal Recessive and X-Linked Classification Criteria (2023). Collection method: clinical testing. Allele origin: unknown.
Comment: This variant is considered benign. This variant is a silent/synonymous amino acid change and it is not expected to impact splicing.

CeGaT Center for Human Genetics Tuebingen
Classification: Likely benign. Last evaluated: 2022-11-01. Review status: criteria provided, single submitter. Criteria: CeGaT Center For Human Genetics Tuebingen Variant Classification Criteria Version 2. Collection method: clinical testing. Allele origin: germline. Affected: yes. Observed: 1 variant allele.
Comment: CHEK2: BP4, BP7

Women's Health and Genetics/Laboratory Corporation of America, LabCorp
Classification: Likely benign. Last evaluated: 2021-09-10. Review status: criteria provided, single submitter. Criteria: LabCorp Variant Classification Summary - May 2015. Collection method: clinical testing. Allele origin: germline.

Sema4
Classification: Uncertain significance for Hereditary cancer-predisposing syndrome. Last evaluated: 2021-07-03. Review status: criteria provided, single submitter. Criteria: Sema4 Curation Guidelines. Collection method: curation. Allele origin: germline.
Comment: The CHEK2 c.1287G>A (p.E429=) variant has not been reported in the literature to our knowledge. This variant was observed in 8/113278 chromosomes in the Non-Finnish European population, with no homozygotes, according to the Genome Aggregation Database ((PMID: 32461654).This variant has been reported in ClinVar (Variation ID 183930). In silico tools that predict the effect of sequence changes on splicing suggest that this variant may have an impact on splicing, though these predictions have not been confirmed by functional studies. The overall evidence is insufficient to meet ACMG/AMP criteria for classifying it as benign or pathogenic. In summary, the clinical significance of this variant is currently uncertain.

Quest Diagnostics Nichols Institute San Juan Capistrano
Classification: Uncertain significance. Last evaluated: 2017-07-13. Review status: criteria provided, single submitter. Criteria: Quest Diagnostics criteria. Collection method: clinical testing. Allele origin: germline.

Color Diagnostics, LLC DBA Color Health
Classification: Likely benign for Hereditary cancer-predisposing syndrome. Last evaluated: 2017-03-13. Review status: criteria provided, single submitter. Criteria: ACMG Guidelines, 2015. Collection method: clinical testing. Allele origin: germline.

GeneDx
Classification: Benign. Last evaluated: 2015-03-03. Review status: criteria provided, single submitter. Criteria: GeneDx Variant Classification Process June 2021. Collection method: clinical testing. Allele origin: germline. Affected: yes.

Ambry Genetics
Classification: Likely benign for Hereditary cancer-predisposing syndrome. Last evaluated: 2015-02-16. Review status: criteria provided, single submitter. Criteria: Ambry Variant Classification Scheme 2023. Collection method: clinical testing. Allele origin: germline.

Counsyl
Classification: Likely benign for Familial cancer of breast. Last evaluated: 2016-08-29. Review status: no assertion criteria provided. Collection method: clinical testing. Allele origin: unknown. Not counted in ClinVar's aggregate classification.

NM_007194.4(CHEK2):c.1287G>A (p.Glu429=)

Gene: CHEK2 (checkpoint kinase 2; minus strand). Cytogenetic location: 22q12.1.
Variant type: single nucleotide variant.
Coding change: c.1287G>A on transcript NM_007194.4 (MANE Select); coding-DNA position 1287, G replaced by A.
Protein change: p.Glu429=; no amino-acid change (glutamic acid 429 retained).
Molecular consequence: synonymous variant.
Genome position (GRCh38, 1-based): chr22:28,695,215, C>T on the plus strand (G>A on the coding strand, the complement: CHEK2 is on the minus strand). VCF-style: chr22-28695215-C-T. GRCh37 (hg19) VCF-style: chr22-29091203-C-T.
Other names: c.1416G>A, p.Glu472= (NM_001005735.3); c.624G>A, p.Glu208= (NM_001257387.3); c.1086G>A, p.Glu362= (NM_001349956.3); c.1200G>A, p.Glu400= (NM_145862.3).
Identifiers: ClinVar variation 183930 (VCV000183930.56), dbSNP rs758102180, ClinGen allele CA187020.